The following is an entry in ClinVar:

NM_020461.4(TUBGCP6):c.645C>T (p.Phe215=)

Gene: TUBGCP6 (tubulin gamma complex component 6; minus strand). Cytogenetic location: 22q13.33.
Variant type: single nucleotide variant.
Coding change: c.645C>T on transcript NM_020461.4 (MANE Select); coding-DNA position 645, C replaced by T.
Protein change: p.Phe215=; no amino-acid change (phenylalanine 215 retained).
Molecular consequence: synonymous variant.
Genome position (GRCh38, 1-based): chr22:50,243,815, G>A on the plus strand (C>T on the coding strand, the complement: TUBGCP6 is on the minus strand). VCF-style: chr22-50243815-G-A. GRCh37 (hg19) VCF-style: chr22-50682244-G-A.
Identifiers: ClinVar variation 2782848 (VCV002782848.7), dbSNP rs2519211296, ClinGen allele CA515377413.
Genomic context (GRCh38, chr22:50,243,815, plus strand): 5'-CACGGGGGGCAGGCCCAGTCGGACGTCCATGTCATAAGTGCGGCTGTGCACAAGGGCCCC[G>A]AAGAGCGAGACCCGGGTGTCTCTCTCGAACCTGTCACCACAAGGGTCACCAAATGAGAAG-3'
Protein context (NP_065194.3, residues 205-225): RFERDTRVSL[Phe215=]GALVHSRTYD

ClinVar aggregate classification (germline): Likely benign. Review status: criteria provided, multiple submitters, no conflicts (2 of 4 stars). 2 submissions from 2 submitters: Likely benign (2). Last evaluated 2026-01-01.

Allele frequency attached by ClinVar (database versions not stated): gnomAD exomes below 0.00001.

Submissions (2):

CeGaT Center for Human Genetics Tuebingen
Classification: Likely benign. Last evaluated: 2026-01-01. Review status: criteria provided, single submitter. Criteria: CeGaT Center For Human Genetics Tuebingen Variant Classification Criteria Version 2. Collection method: clinical testing. Allele origin: germline. Affected: yes. Observed: 1 variant allele.
Comment: TUBGCP6: BP4, BP7

Labcorp Genetics (formerly Invitae), Labcorp
Classification: Likely benign. Last evaluated: 2023-05-23. Review status: criteria provided, single submitter. Criteria: Invitae Variant Classification Sherloc (09022015). Collection method: clinical testing. Allele origin: germline.